The following is an entry in ClinVar:

ClinVar aggregate classification (germline): Uncertain significance. Review status: criteria provided, multiple submitters, no conflicts (2 of 4 stars). 3 submissions from 3 submitters: Uncertain significance (3). Last evaluated 2024-07-19.

Conditions:
Ehlers-Danlos syndrome, dermatosparaxis type. Also called: Dermatosparaxis; Ehlers-Danlos syndrome, type VII, autosomal recessive; EDS VIIC. Identifiers: Orphanet 1901, MedGen C2700425, MONDO:0009161, OMIM 225410.

Allele frequency attached by ClinVar (database versions not stated): gnomAD 0.00001; TOPMed 0.00002.
gnomAD v4.1: 13 of 1,613,854 alleles (0.00081%); highest among the groups gnomAD compares: Admixed American, 0.0033%; no homozygotes.

Submissions (3):

Mayo Clinic Laboratories, Mayo Clinic
Classification: Uncertain significance. Last evaluated: 2024-07-19. Review status: criteria provided, single submitter. Criteria: ACMG Guidelines, 2015. Collection method: clinical testing. Allele origin: germline. Observed: 1 variant allele.
Comment: BP4

Labcorp Genetics (formerly Invitae), Labcorp
Classification: Uncertain significance for Ehlers-Danlos syndrome, dermatosparaxis type. Last evaluated: 2022-07-19. Review status: criteria provided, single submitter. Criteria: Invitae Variant Classification Sherloc (09022015). Collection method: clinical testing. Allele origin: germline.
Comment: This sequence change replaces alanine, which is neutral and non-polar, with threonine, which is neutral and polar, at codon 566 of the ADAMTS2 protein (p.Ala566Thr). This variant is present in population databases (rs765909622, gnomAD 0.006%). This variant has not been reported in the literature in individuals affected with ADAMTS2-related conditions. Algorithms developed to predict the effect of missense changes on protein structure and function output the following: SIFT: "Deleterious"; PolyPhen-2: "Benign"; Align-GVGD: "Class C55". The threonine amino acid residue is found in multiple mammalian species, which suggests that this missense change does not adversely affect protein function. In summary, the available evidence is currently insufficient to determine the role of this variant in disease. Therefore, it has been classified as a Variant of Uncertain Significance.

GeneDx
Classification: Uncertain significance. Last evaluated: 2022-03-30. Review status: criteria provided, single submitter. Criteria: GeneDx Variant Classification Process June 2021. Collection method: clinical testing. Allele origin: germline. Affected: yes.
Comment: Not observed at significant frequency in large population cohorts (gnomAD); In silico analysis supports that this missense variant does not alter protein structure/function; Has not been previously published as pathogenic or benign to our knowledge

NM_014244.5(ADAMTS2):c.1696G>A (p.Ala566Thr)

Gene: ADAMTS2 (ADAM metallopeptidase with thrombospondin type 1 motif 2; minus strand). Cytogenetic location: 5q35.3.
Variant type: single nucleotide variant.
Coding change: c.1696G>A on transcript NM_014244.5 (MANE Select); coding-DNA position 1696, G replaced by A.
Protein change: p.Ala566Thr; replaces alanine 566 with threonine.
Molecular consequence: missense variant.
Genome position (GRCh38, 1-based): chr5:179,139,969, C>T on the plus strand (G>A on the coding strand, the complement: ADAMTS2 is on the minus strand). VCF-style: chr5-179139969-C-T. GRCh37 (hg19) VCF-style: chr5-178566970-C-T.
Other names: p.Ala566Thr; short protein forms A566T.
Identifiers: ClinVar variation 1708679 (VCV001708679.5), dbSNP rs765909622, ClinGen allele CA3595804.